The following is an entry in ClinVar:

NM_138459.5(NUS1):c.38_46dup (p.Leu15_Leu16insHisAlaLeu)

Gene: NUS1 (NUS1 dehydrodolichyl diphosphate synthase subunit; plus strand). Cytogenetic location: 6q22.1.
Variant type: Duplication.
Coding change: c.38_46dup on transcript NM_138459.5 (MANE Select); coding-DNA positions 38 to 46, 9 bases duplicated (ACGCGCTGC; older notation c.38_46dupACGCGCTGC).
Protein change: p.Leu15_Leu16insHisAlaLeu.
Genome position (GRCh38, 1-based): chr6:117,675,708-117,675,716, ACGCGCTGC duplicated; duplicating any 9 consecutive bases within chr6:117,675,703-117,675,716 gives the same sequence; the c. name uses the placement nearest the transcript's 3' end. VCF-style (leftmost placement, unchanged base first): chr6-117675702-T-TGCTGCACGC. GRCh37 (hg19) VCF-style: chr6-117996865-T-TGCTGCACGC.
Identifiers: ClinVar variation 3363413 (VCV003363413.1).

ClinVar aggregate classification (germline): Uncertain significance (1 of 4 stars; one submission).

Submission:

GeneDx
Classification: Uncertain significance. Last evaluated: 2023-11-29. Review status: criteria provided, single submitter. Criteria: GeneDx Variant Classification Process June 2021. Collection method: clinical testing. Allele origin: germline. Affected: yes.
Comment: Not observed at significant frequency in large population cohorts (gnomAD); In-frame insertion of 3 amino acids in a non-repeat region; Has not been previously published as pathogenic or benign to our knowledge